The following is an entry in ClinVar:

ClinVar aggregate classification (germline): Uncertain significance (1 of 4 stars; one submission).

Conditions:
Hereditary pancreatitis (PCTT). Also called: PRSS1-Related Hereditary Pancreatitis; Hereditary chronic pancreatitis. Identifiers: Orphanet 676, MedGen C0238339, MONDO:0008185, OMIM 167800.

gnomAD v4.1: 1 of 1,614,014 alleles (0.000062%); highest among the groups gnomAD compares: Admixed American, 0.0017%; no homozygotes.

Submission:

Ambry Genetics
Classification: Uncertain significance for Hereditary pancreatitis. Last evaluated: 2023-08-08. Review status: criteria provided, single submitter. Criteria: Ambry Variant Classification Scheme 2023. Collection method: clinical testing. Allele origin: germline.
Comment: The c.456C>A variant (also known as p.A152A), located in coding exon 4 of the PRSS1 gene, results from a C to A substitution at nucleotide position 456. This nucleotide substitution does not change the alanine at codon 152. This nucleotide position is not well conserved in available vertebrate species. In silico splice site analysis predicts that this alteration will result in the creation or strengthening of a novel splice acceptor site. Since supporting evidence is limited at this time, the clinical significance of this alteration remains unclear.

NM_002769.5(PRSS1):c.456C>A (p.Ala152=)

Genes: TRB (T cell receptor beta locus; plus strand), PRSS1 (serine protease 1; plus strand). Cytogenetic location: 7q34.
Variant type: single nucleotide variant.
Coding change: c.456C>A on transcript NM_002769.5 (MANE Select); coding-DNA position 456, C replaced by A.
Protein change: p.Ala152=; no amino-acid change (alanine 152 retained).
Molecular consequence: synonymous variant. On other transcripts: non-coding transcript variant (5).
Genome position (GRCh38, 1-based): chr7:142,752,432, C>A. VCF-style: chr7-142752432-C-A. GRCh37 (hg19) VCF-style: chr7-142460283-C-A.
Identifiers: ClinVar variation 2621898 (VCV002621898.2), dbSNP rs777261723, ClinGen allele CA458266327.